The following is an entry in ClinVar:

ClinVar aggregate classification (germline): Benign (0 of 4 stars; one submission).

Conditions:
PXDNL-related disorder. Also called: PXDNL-related condition.

Allele frequency attached by ClinVar (database versions not stated): gnomAD exomes 0.00361; ExAC 0.01145; gnomAD 0.03823; ESP Exome Variant Server 0.04093; 1000 Genomes Project 0.04353; TOPMed 0.04408; 1000 Genomes Project 30x 0.04638.
gnomAD v4.1: 11,360 of 1,613,716 alleles (0.7%); highest among the groups gnomAD compares: African/African-American, 13%; 652 homozygotes.

Submission:

PreventionGenetics, part of Exact Sciences
Classification: Benign for PXDNL-related condition. Last evaluated: 2019-02-19. Review status: no assertion criteria provided. Collection method: clinical testing. Allele origin: germline.
Comment: This variant is classified as benign based on ACMG/AMP sequence variant interpretation guidelines (Richards et al. 2015 PMID: 25741868, with internal and published modifications).

NM_144651.5(PXDNL):c.1748G>A (p.Arg583Gln)

Gene: PXDNL (peroxidasin like; minus strand). Cytogenetic location: 8q11.22.
Variant type: single nucleotide variant.
Coding change: c.1748G>A on transcript NM_144651.5 (MANE Select); coding-DNA position 1748, G replaced by A.
Protein change: p.Arg583Gln; replaces arginine 583 with glutamine.
Molecular consequence: missense variant.
Genome position (GRCh38, 1-based): chr8:51,423,622, C>T on the plus strand (G>A on the coding strand, the complement: PXDNL is on the minus strand). VCF-style: chr8-51423622-C-T. GRCh37 (hg19) VCF-style: chr8-52336182-C-T.
Other names: short protein forms R583Q.
Identifiers: ClinVar variation 3056403 (VCV003056403.2), dbSNP rs16916235, ClinGen allele CA4745250.
Genomic context (GRCh38, chr8:51,423,622, plus strand): 5'-TATAGACACCTACCCGTGACTGTAAGAAACATGTTGGTCACAGCAAGGCCAAAAGAATTC[C>T]GAGCCACACATTCATATCTTCCCTGGTCAGGGAACCCTGCGTCGTAGATAGTCAGCGTGC-3'
Protein context (NP_653252.4, residues 573-593): PDQGRYECVA[Arg583Gln]NSFGLAVTNM